The following is an entry in ClinVar:

ClinVar aggregate classification (germline): Conflicting classifications of pathogenicity. Review status: criteria provided, conflicting classifications (1 of 4 stars). 5 submissions from 5 submitters: Uncertain significance (1); Likely benign (4). Last evaluated 2025-11-04.

Conditions:
Cardiovascular phenotype. Identifiers: MedGen CN230736.
Brugada syndrome 8 (BRGDA8). Identifiers: Orphanet 130, MedGen C2751083, MONDO:0013148, OMIM 613123.

Allele frequency attached by ClinVar (database versions not stated): gnomAD 0.00003 and 0.00004; gnomAD exomes 0.00004 and 0.00006; ExAC 0.00005; TOPMed 0.00007; ESP Exome Variant Server 0.00015.
gnomAD v4.1: 68 of 1,601,514 alleles (0.0042%); highest among the groups gnomAD compares: Admixed American, 0.026%; no homozygotes.

Submissions (5):

Labcorp Genetics (formerly Invitae), Labcorp
Classification: Likely benign for Brugada syndrome 8. Last evaluated: 2025-11-04. Review status: criteria provided, single submitter. Criteria: Invitae Variant Classification Sherloc (09022015). Collection method: clinical testing. Allele origin: germline.

Athena Diagnostics
Classification: Likely benign. Last evaluated: 2024-09-25. Review status: criteria provided, single submitter. Criteria: Athena Diagnostics Criteria. Collection method: clinical testing. Allele origin: unknown.

Blueprint Genetics
Classification: Likely benign. Last evaluated: 2023-06-14. Review status: criteria provided, single submitter. Criteria: ACMG Guidelines, 2015. Collection method: clinical testing. Allele origin: germline.

Ambry Genetics
Classification: Likely benign for Cardiovascular phenotype. Last evaluated: 2019-01-15. Review status: criteria provided, single submitter. Criteria: Ambry Variant Classification Scheme 2023. Collection method: clinical testing. Allele origin: germline.

GeneDx
Classification: Uncertain significance. Last evaluated: 2017-12-15. Review status: criteria provided, single submitter. Criteria: GeneDx Variant Classification (06012015). Collection method: clinical testing. Allele origin: germline. Affected: yes.
Comment: A variant of uncertain significance has been identified in the HCN4 gene. The c.3582 A>G variant has not been published as pathogenic or been reported as benign to our knowledge. This variant is observed in 8/32542 (0.025%) alleles from individuals of Latino ancestry in large population cohorts (Lek et al., 2016). The c.3582 A>G variant results in a synonymous change of the P1194 residue in the HCN4 gene. Although this substitution occurs at a position that is not conserved across species, and guanine (G) is the wild type nucleotide in multiple species, in silico splice prediction algorithms suggest that this variant may create a cryptic splice donor site, upstream of the natural splice donor site, leading to abnormal splicing in the HCN4 gene. However, in the absence of functional mRNA studies, the physiological consequence of this variant cannot be precisely determined.

Literature cited by the submitters: PubMed 37904629 (cited by Athena Diagnostics).

NM_005477.3(HCN4):c.3582A>G (p.Pro1194=)

Gene: HCN4 (hyperpolarization activated cyclic nucleotide gated potassium channel 4; minus strand). Cytogenetic location: 15q24.1.
Variant type: single nucleotide variant.
Coding change: c.3582A>G on transcript NM_005477.3 (MANE Select); coding-DNA position 3582, A replaced by G.
Protein change: p.Pro1194=; no amino-acid change (proline 1194 retained).
Molecular consequence: synonymous variant.
Genome position (GRCh38, 1-based): chr15:73,322,511, T>C on the plus strand (A>G on the coding strand, the complement: HCN4 is on the minus strand). VCF-style: chr15-73322511-T-C. GRCh37 (hg19) VCF-style: chr15-73614852-T-C.
Identifiers: ClinVar variation 489266 (VCV000489266.13), dbSNP rs375637572, ClinGen allele CA7648799.